The following is an entry in ClinVar:

ClinVar aggregate classification (germline): Uncertain significance. Review status: criteria provided, multiple submitters, no conflicts (2 of 4 stars). 2 submissions from 2 submitters: Uncertain significance (2). Last evaluated 2025-09-14.

Conditions:
Epilepsy, familial focal, with variable foci 3 (FFEVF3). Identifiers: MedGen C4310708, MONDO:0014925, OMIM 617118.

Allele frequency attached by ClinVar (database versions not stated): ExAC 0.00001; gnomAD exomes 0.00001; TOPMed 0.00001; gnomAD 0.00002.

Submissions (2):

Labcorp Genetics (formerly Invitae), Labcorp
Classification: Uncertain significance for Epilepsy, familial focal, with variable foci 3. Last evaluated: 2025-09-14. Review status: criteria provided, single submitter. Criteria: Invitae Variant Classification Sherloc (09022015). Collection method: clinical testing. Allele origin: germline.
Comment: This sequence change replaces arginine, which is basic and polar, with histidine, which is basic and polar, at codon 495 of the NPRL3 protein (p.Arg495His). This variant is present in population databases (rs750844568, gnomAD 0.01%). This variant has not been reported in the literature in individuals affected with NPRL3-related conditions. ClinVar contains an entry for this variant (Variation ID: 572036). Invitae Evidence Modeling of protein sequence and biophysical properties (such as structural, functional, and spatial information, amino acid conservation, physicochemical variation, residue mobility, and thermodynamic stability) has been performed for this missense variant. However, the output from this modeling did not meet the statistical confidence thresholds required to predict the impact of this variant on NPRL3 protein function. In summary, the available evidence is currently insufficient to determine the role of this variant in disease. Therefore, it has been classified as a Variant of Uncertain Significance.

GeneDx
Classification: Uncertain significance. Last evaluated: 2024-01-04. Review status: criteria provided, single submitter. Criteria: GeneDx Variant Classification Process June 2021. Collection method: clinical testing. Allele origin: germline. Affected: yes.
Comment: In silico analysis supports that this missense variant has a deleterious effect on protein structure/function; Has not been previously published as pathogenic or benign to our knowledge

NM_001077350.3(NPRL3):c.1484G>A (p.Arg495His)

Genes: HBA-LCR (alpha-globin locus control region; plus strand), NPRL3 (NPR3 like, GATOR1 complex subunit; minus strand). Cytogenetic location: 16p13.3.
Variant type: single nucleotide variant.
Coding change: c.1484G>A on transcript NM_001077350.3 (MANE Select); coding-DNA position 1484, G replaced by A.
Protein change: p.Arg495His; replaces arginine 495 with histidine.
Molecular consequence: missense variant.
Genome position (GRCh38, 1-based): chr16:88,758, C>T on the plus strand (G>A on the coding strand, the complement: NPRL3 is on the minus strand). VCF-style: chr16-88758-C-T. GRCh37 (hg19) VCF-style: chr16-138757-C-T.
Other names: c.1250G>A, p.Arg417His (NM_001243247.2); c.1409G>A, p.Arg470His (NM_001243248.2, NM_001243249.2); c.947G>A, p.Arg316His (NM_001039476.3); short protein forms R470H, R495H, R417H, R316H.
Identifiers: ClinVar variation 572036 (VCV000572036.12), dbSNP rs750844568, ClinGen allele CA7769312.
Genomic context (GRCh38, chr16:88,758, plus strand): 5'-CTGGCAAACATGCGGAGGTCCTCAGGGTTCTGGGCTGCGGGTACACTGAGGATGGCTGCG[C>T]GTTCATGCTCCGACAGGCTGGCCAGCAGGTTCTCCGTCATCCTCTGGTTCAGTGGCGAGT-3'
Protein context (NP_001070818.1, residues 485-505): NLLASLSEHE[Arg495His]AAILSVPAAQ